The following is an entry in ClinVar:

ClinVar aggregate classification (germline): Benign. Review status: criteria provided, multiple submitters, no conflicts (2 of 4 stars). 2 submissions from 2 submitters: Benign (2). Last evaluated 2026-02-01.

Conditions:
ADSS1-related disorder. Also called: ADSS1-related condition.

Allele frequency attached by ClinVar (database versions not stated): ESP Exome Variant Server 0.00077; gnomAD 0.00104 and 0.00212; TOPMed 0.00185; ExAC 0.00580; 1000 Genomes Project 30x 0.00812; 1000 Genomes Project 0.00899.
gnomAD v4.1: 4,458 of 1,612,158 alleles (0.28%); highest among the groups gnomAD compares: South Asian, 2.5%; 51 homozygotes.

Submissions (2):

Labcorp Genetics (formerly Invitae), Labcorp
Classification: Benign. Last evaluated: 2026-02-01. Review status: criteria provided, single submitter. Criteria: Invitae Variant Classification Sherloc (09022015). Collection method: clinical testing. Allele origin: germline.

PreventionGenetics, part of Exact Sciences
Classification: Benign for ADSS1-related condition. Last evaluated: 2024-12-03. Review status: criteria provided, single submitter. Criteria: ACMG Guidelines, 2015. Collection method: clinical testing. Allele origin: germline.
Comment: This variant is classified as benign based on ACMG/AMP sequence variant interpretation guidelines (Richards et al. 2015 PMID: 25741868, with internal and published modifications).

NM_152328.5(ADSS1):c.741C>G (p.Pro247=)

Gene: ADSS1 (adenylosuccinate synthase 1; plus strand). Cytogenetic location: 14q32.33.
Variant type: single nucleotide variant.
Coding change: c.741C>G on transcript NM_152328.5 (MANE Select); coding-DNA position 741, C replaced by G.
Protein change: p.Pro247=; no amino-acid change (proline 247 retained).
Molecular consequence: synonymous variant.
Genome position (GRCh38, 1-based): chr14:104,741,191, C>G. VCF-style: chr14-104741191-C-G. GRCh37 (hg19) VCF-style: chr14-105207528-C-G.
Other names: c.126C>G, p.Pro42= (NM_001320424.1); c.870C>G, p.Pro290= (NM_199165.2).
Identifiers: ClinVar variation 788120 (VCV000788120.10), dbSNP rs150115019, ClinGen allele CA7373833.